The following is an entry in ClinVar:

ClinVar aggregate classification (germline): Uncertain significance (1 of 4 stars; one submission).

Conditions:
Osteogenesis imperfecta type I (OI1). Also called: Lobstein disease; Classic Non-deforming Osteogenesis Imperfecta with Blue Sclerae; OI, TYPE I; OSTEOGENESIS IMPERFECTA TARDA; OSTEOGENESIS IMPERFECTA WITH BLUE SCLERAE; Osteogenesis imperfecta type 1. Identifiers: Orphanet 216796, Orphanet 666, MedGen C0023931, MONDO:0008146, OMIM 166200. Disease mechanism: loss of function.

Submission:

Labcorp Genetics (formerly Invitae), Labcorp
Classification: Uncertain significance for Osteogenesis imperfecta type I. Last evaluated: 2024-01-25. Review status: criteria provided, single submitter. Criteria: Invitae Variant Classification Sherloc (09022015). Collection method: clinical testing. Allele origin: germline.
Comment: This sequence change replaces methionine, which is neutral and non-polar, with isoleucine, which is neutral and non-polar, at codon 580 of the COL1A1 protein (p.Met580Ile). This variant is not present in population databases (gnomAD no frequency). This variant has not been reported in the literature in individuals affected with COL1A1-related conditions. Advanced modeling of protein sequence and biophysical properties (such as structural, functional, and spatial information, amino acid conservation, physicochemical variation, residue mobility, and thermodynamic stability) performed at Invitae indicates that this missense variant is not expected to disrupt COL1A1 protein function with a negative predictive value of 95%. In summary, the available evidence is currently insufficient to determine the role of this variant in disease. Therefore, it has been classified as a Variant of Uncertain Significance.

NM_000088.4(COL1A1):c.1740G>A (p.Met580Ile)

Gene: COL1A1 (collagen type I alpha 1 chain; minus strand). Cytogenetic location: 17q21.33.
Variant type: single nucleotide variant.
Coding change: c.1740G>A on transcript NM_000088.4 (MANE Select); coding-DNA position 1740, G replaced by A.
Protein change: p.Met580Ile; replaces methionine 580 with isoleucine.
Molecular consequence: missense variant.
Genome position (GRCh38, 1-based): chr17:50,193,970, C>T on the plus strand (G>A on the coding strand, the complement: COL1A1 is on the minus strand). VCF-style: chr17-50193970-C-T. GRCh37 (hg19) VCF-style: chr17-48271331-C-T.
Other names: short protein forms M580I.
Identifiers: ClinVar variation 2877842 (VCV002877842.3), dbSNP rs2509215182, ClinGen allele CA400215239.